The following is an entry in ClinVar:

NM_001393662.1(VCX):c.355_384del (p.Glu119_Ser128del)

Gene: VCX (variable charge X-linked; plus strand). Cytogenetic location: Xp22.31.
Variant type: Deletion.
Coding change: c.355_384del on transcript NM_001393662.1 (MANE Select); coding-DNA positions 355 to 384, 30 bases deleted (GAGGTGGAAGAACCACTGAGTCAGGAGAGC).
Protein change: p.Glu119_Ser128del.
Molecular consequence: inframe deletion.
Genome position (GRCh38, 1-based): chrX:7,843,750-7,843,779, GAGGTGGAAGAACCACTGAGTCAGGAGAGC deleted; deleting any 30 consecutive bases within chrX:7,843,729-7,843,779 gives the same sequence; the c. name uses the placement nearest the transcript's 3' end. VCF-style (leftmost placement, unchanged base first): chrX-7843728-GGAACCACTGAGTCAGGAGAGCGAGGTGGAA-G. GRCh37 (hg19) VCF-style: chrX-7811769-GGAACCACTGAGTCAGGAGAGCGAGGTGGAA-G.
Other names: c.355_384del, p.Glu119_Ser128del (NM_013452.3).
Identifiers: ClinVar variation 4873312 (VCV004873312.2).

ClinVar aggregate classification (germline): Likely benign (1 of 4 stars; one submission).

Submission:

CeGaT Center for Human Genetics Tuebingen
Classification: Likely benign. Last evaluated: 2026-05-01. Review status: criteria provided, single submitter. Criteria: CeGaT Center For Human Genetics Tuebingen Variant Classification Criteria Version 2. Collection method: clinical testing. Allele origin: germline. Affected: yes. Observed: 1 variant allele.
Comment: VCX: PM4, BS2